The following is an entry in ClinVar:

ClinVar aggregate classification (germline): Uncertain significance. Review status: criteria provided, multiple submitters, no conflicts (2 of 4 stars). 3 submissions from 3 submitters: Uncertain significance (3). Last evaluated 2022-02-14.

Conditions:
Ehlers-Danlos syndrome (EDS). Identifiers: Orphanet 98249, MedGen C0013720, MONDO:0020066.
Familial thoracic aortic aneurysm and aortic dissection (TAAD). Also called: Thoracic aortic aneurysms and dissections. Identifiers: Orphanet 91387, MedGen C4707243, MONDO:0019625.
Ehlers-Danlos syndrome, type 4 (EDSVASC). Also called: Ehlers-Danlos syndrome vascular type; Ehlers Danlos syndrome, ecchymotic type; Ehlers Danlos syndrome, arterial type; Ehlers Danlos syndrome, Sack-Barabas type; Ehlers-Danlos Syndrome Type IV. Identifiers: Orphanet 286, MedGen C0268338, MONDO:0017314, OMIM 130050.

gnomAD v4.1: 1 of 1,613,040 alleles (0.000062%); highest among the groups gnomAD compares: Non-Finnish European, 0.000085%; no homozygotes.

Submissions (3):

CHEO Genetics Diagnostic Laboratory, Children's Hospital of Eastern Ontario
Classification: Uncertain significance for Familial thoracic aortic aneurysm and aortic dissection. Last evaluated: 2022-02-14. Review status: criteria provided, single submitter. Criteria: ACMG Guidelines, 2015. Collection method: clinical testing. Allele origin: germline.

Genome Diagnostics Laboratory, The Hospital for Sick Children
Classification: Uncertain significance for Ehlers-Danlos syndrome. Last evaluated: 2021-11-15. Review status: criteria provided, single submitter. Criteria: ACMG Guidelines, 2015. Collection method: clinical testing. Allele origin: germline.

Labcorp Genetics (formerly Invitae), Labcorp
Classification: Uncertain significance for Ehlers-Danlos syndrome, type 4. Last evaluated: 2021-10-29. Review status: criteria provided, single submitter. Criteria: Invitae Variant Classification Sherloc (09022015). Collection method: clinical testing. Allele origin: germline.
Comment: This variant is not present in population databases (gnomAD no frequency). This sequence change replaces leucine, which is neutral and non-polar, with isoleucine, which is neutral and non-polar, at codon 35 of the COL3A1 protein (p.Leu35Ile). This variant has not been reported in the literature in individuals affected with COL3A1-related conditions. Advanced modeling of protein sequence and biophysical properties (such as structural, functional, and spatial information, amino acid conservation, physicochemical variation, residue mobility, and thermodynamic stability) performed at Invitae indicates that this missense variant is not expected to disrupt COL3A1 protein function. In summary, the available evidence is currently insufficient to determine the role of this variant in disease. Therefore, it has been classified as a Variant of Uncertain Significance.

NM_000090.4(COL3A1):c.103C>A (p.Leu35Ile)

Gene: COL3A1 (collagen type III alpha 1 chain; plus strand). Cytogenetic location: 2q32.2.
Variant type: single nucleotide variant.
Coding change: c.103C>A on transcript NM_000090.4 (MANE Select); coding-DNA position 103, C replaced by A.
Protein change: p.Leu35Ile; replaces leucine 35 with isoleucine.
Molecular consequence: missense variant.
Genome position (GRCh38, 1-based): chr2:188,984,783, C>A. VCF-style: chr2-188984783-C-A. GRCh37 (hg19) VCF-style: chr2-189849509-C-A.
Other names: short protein forms L35I.
Identifiers: ClinVar variation 1365180 (VCV001365180.10), dbSNP rs368703012, ClinGen allele CA349846848.
Genomic context (GRCh38, chr2:188,984,783, plus strand): 5'-CCTAAGGAAACTTCACGTCATCTAACTTGTTTTTCAGCTGTTGAAGGAGGATGTTCCCAT[C>A]TTGGTCAGTCCTATGCGGATAGAGATGTCTGGAAGCCAGAACCATGCCAAATATGTGTCT-3'
Protein context (NP_000081.2, residues 25-45): QEAVEGGCSH[Leu35Ile]GQSYADRDVW